The following is an entry in ClinVar:

NM_001321815.1(RAD51B):c.961A>T (p.Lys321Ter)

Gene: RAD51B (RAD51 paralog B; plus strand). Cytogenetic location: 14q24.1.
Variant type: single nucleotide variant.
Coding change: c.961A>T on transcript NM_001321815.1; coding-DNA position 961, A replaced by T.
Protein change: p.Lys321Ter; replaces lysine 321 with a stop codon.
Molecular consequence: nonsense. On other transcripts: 3 prime UTR variant (1), synonymous variant (1), intron variant (1).
Genome position (GRCh38, 1-based): chr14:68,611,196, A>T. VCF-style: chr14-68611196-A-T. GRCh37 (hg19) VCF-style: chr14-69077913-A-T.
Other names: c.*224A>T (NM_001321809.2); c.1227A>T, p.Thr409= (NM_001321821.2); c.1037-71741A>T (NM_001321818.2); short protein forms K321*.
Identifiers: ClinVar variation 3050947 (VCV003050947.2), dbSNP rs773861877, ClinGen allele CA7241443.

ClinVar aggregate classification (germline): Likely benign (0 of 4 stars; one submission).

Conditions:
RAD51B-related disorder. Also called: RAD51B-related condition.

Allele frequency attached by ClinVar (database versions not stated): gnomAD 0.00012; TOPMed 0.00006; ExAC 0.00007; gnomAD exomes 0.00009.
gnomAD v4.1: 66 of 702,884 alleles (0.0094%); highest among the groups gnomAD compares: Non-Finnish European, 0.016%; no homozygotes.

Submission:

PreventionGenetics, part of Exact Sciences
Classification: Likely benign for RAD51B-related condition. Last evaluated: 2020-01-09. Review status: no assertion criteria provided. Collection method: clinical testing. Allele origin: germline.
Comment: This variant is classified as likely benign based on ACMG/AMP sequence variant interpretation guidelines (Richards et al. 2015 PMID: 25741868, with internal and published modifications).